The following is an entry in ClinVar:

NM_001330574.2(ZNF711):c.2155G>C (p.Asp719His)

Gene: ZNF711 (zinc finger protein 711; plus strand). Cytogenetic location: Xq21.1.
Variant type: single nucleotide variant.
Coding change: c.2155G>C on transcript NM_001330574.2 (MANE Select); coding-DNA position 2155, G replaced by C.
Protein change: p.Asp719His; replaces aspartic acid 719 with histidine.
Molecular consequence: missense variant.
Genome position (GRCh38, 1-based): chrX:85,271,559, G>C. VCF-style: chrX-85271559-G-C. GRCh37 (hg19) VCF-style: chrX-84526565-G-C.
Other names: c.2155G>C, p.Asp719His (NM_001375431.1, NM_001375432.1, NM_001375433.1); c.2017G>C, p.Asp673His (NM_001375434.1, NM_001375435.1, NM_001375436.1 and 2 more transcripts); short protein forms D719H, D673H.
Identifiers: ClinVar variation 2614792 (VCV002614792.2), dbSNP rs1474925598, ClinGen allele CA413777284.

ClinVar aggregate classification (germline): Uncertain significance (1 of 4 stars; one submission).

Conditions:
Inborn genetic diseases. Identifiers: MedGen C0950123, MeSH D030342.

Allele frequency attached by ClinVar (database versions not stated): gnomAD exomes below 0.00001; TOPMed below 0.00001; gnomAD 0.00001.
gnomAD v4.1: 3 of 1,209,487 alleles (0.00025%); highest among the groups gnomAD compares: Non-Finnish European, 0.00034%; no homozygotes.

Submission:

Ambry Genetics
Classification: Uncertain significance for Inborn genetic diseases. Last evaluated: 2023-08-23. Review status: criteria provided, single submitter. Criteria: Ambry Variant Classification Scheme 2023. Collection method: clinical testing. Allele origin: germline.
Comment: The c.2017G>C (p.D673H) alteration is located in exon 9 (coding exon 7) of the ZNF711 gene. This alteration results from a G to C substitution at nucleotide position 2017, causing the aspartic acid (D) at amino acid position 673 to be replaced by a histidine (H). This variant was not reported in population-based cohorts in the Genome Aggregation Database (gnomAD). This amino acid position is highly conserved in available vertebrate species. This alteration is predicted to be tolerated by in silico analysis. Based on insufficient or conflicting evidence, the clinical significance of this alteration remains unclear.